The following is an entry in ClinVar:

ClinVar aggregate classification (germline): Uncertain significance (1 of 4 stars; one submission).

Submission:

Labcorp Genetics (formerly Invitae), Labcorp
Classification: Uncertain significance. Last evaluated: 2022-11-28. Review status: criteria provided, single submitter. Criteria: Invitae Variant Classification Sherloc (09022015). Collection method: clinical testing. Allele origin: germline.
Comment: This sequence change creates a premature translational stop signal (p.Asn302Serfs*76) in the RBFOX2 gene. It is expected to result in an absent or disrupted protein product. However, the current clinical and genetic evidence is not sufficient to establish whether loss-of-function variants in RBFOX2 cause disease. In summary, the available evidence is currently insufficient to determine the role of this variant in disease. Therefore, it has been classified as a Variant of Uncertain Significance. This variant has not been reported in the literature in individuals affected with RBFOX2-related conditions. This variant is not present in population databases (gnomAD no frequency). Algorithms developed to predict the effect of sequence changes on RNA splicing suggest that this variant may disrupt the consensus splice site.

NM_001349999.2(RBFOX2):c.905_915del (p.Asn302fs)

Gene: RBFOX2 (RNA binding fox-1 homolog 2; minus strand). Cytogenetic location: 22q12.3.
Variant type: Deletion.
Coding change: c.905_915del on transcript NM_001349999.2 (MANE Select); coding-DNA positions 905 to 915, 11 bases deleted (ATGATGCAGCA).
Protein change: p.Asn302fs; shifts the reading frame from asparagine 302.
Molecular consequence: frameshift variant.
Genome position (GRCh38, 1-based): chr22:35,761,251-35,761,261, TGCTGCATCAT deleted on the plus strand (ATGATGCAGCA on the coding strand, the reverse complement: RBFOX2 is on the minus strand); deleting any 11 consecutive bases within chr22:35,761,251-35,761,264 gives the same sequence; the c. name uses the placement nearest the transcript's 3' end. VCF-style (leftmost placement, unchanged base first): chr22-35761250-CTGCTGCATCAT-C. GRCh37 (hg19) VCF-style: chr22-36157297-CTGCTGCATCAT-C.
Other names: c.692_702del, p.Asn231fs (NM_001031695.4, NM_001082576.3, NM_001082577.3 and 2 more transcripts); c.905_915del, p.Asn302fs (NM_001082578.4, NM_001394114.1); c.902_912del, p.Asn301fs (NM_001082579.3, NM_001394112.1, NM_001394113.1 and 1 more transcripts); c.758_768del, p.Asn253fs (NM_001349982.2, NM_001349989.2, NM_001349990.2 and 4 more transcripts); c.665_675del, p.Asn222fs (NM_001349995.2); c.695_705del, p.Asn232fs (NM_001349997.2, NM_014309.4); c.899_909del, p.Asn300fs (NM_001394108.1); c.809_819del, p.Asn270fs (NM_001394109.1, NM_001394110.1, NM_001394111.1); short protein forms N301fs, N270fs, N300fs, N302fs, N231fs, N222fs, N232fs, N253fs.
Identifiers: ClinVar variation 2108009 (VCV002108009.4), dbSNP rs2519242264, ClinGen allele CA2580099710.